The following is an entry in ClinVar:

NM_000388.4(CASR):c.804G>A (p.Val268=)

Gene: CASR (calcium sensing receptor; plus strand). Cytogenetic location: 3q21.1.
Variant type: single nucleotide variant.
Coding change: c.804G>A on transcript NM_000388.4 (MANE Select); coding-DNA position 804, G replaced by A.
Protein change: p.Val268=; no amino-acid change (valine 268 retained).
Molecular consequence: synonymous variant.
Genome position (GRCh38, 1-based): chr3:122,261,839, G>A. VCF-style: chr3-122261839-G-A. GRCh37 (hg19) VCF-style: chr3-121980686-G-A.
Other names: c.804G>A, p.Val268= (NM_001178065.2); c.804G>A (NM_000388.3).
Identifiers: ClinVar variation 3778119 (VCV003778119.7).
Genomic context (GRCh38, chr3:122,261,839, plus strand): 5'-TGAGGAAGAGATCCAGCATGTGGTAGAGGTGATTCAAAATTCCACGGCCAAAGTCATCGT[G>A]GTTTTCTCCAGTGGCCCAGATCTTGAGCCCCTCATCAAGGAGATTGTCCGGCGCAATATC-3'
Protein context (NP_000379.3, residues 258-278): VIQNSTAKVI[Val268=]VFSSGPDLEP

ClinVar aggregate classification (germline): Likely benign. Review status: criteria provided, multiple submitters, no conflicts (2 of 4 stars). 2 submissions from 2 submitters: Likely benign (2). Last evaluated 2026-02-10.

Conditions:
Nephrolithiasis/nephrocalcinosis. Identifiers: MedGen CN580796.

Submissions (2):

Ambry Genetics
Classification: Likely benign for Nephrolithiasis/nephrocalcinosis. Last evaluated: 2026-02-10. Review status: criteria provided, single submitter. Criteria: Ambry Variant Classification Scheme 2023. Collection method: clinical testing. Allele origin: germline.

CeGaT Center for Human Genetics Tuebingen
Classification: Likely benign. Last evaluated: 2025-03-01. Review status: criteria provided, single submitter. Criteria: CeGaT Center For Human Genetics Tuebingen Variant Classification Criteria Version 2. Collection method: clinical testing. Allele origin: germline. Affected: yes. Observed: 1 variant allele.
Comment: CASR: PM2:Supporting, BP4, BP7